The following is an entry in ClinVar:

NM_003124.5(SPR):c.455T>C (p.Val152Ala)

Gene: SPR (sepiapterin reductase; plus strand). Cytogenetic location: 2p13.2.
Variant type: single nucleotide variant.
Coding change: c.455T>C on transcript NM_003124.5 (MANE Select); coding-DNA position 455, T replaced by C.
Protein change: p.Val152Ala; replaces valine 152 with alanine.
Molecular consequence: missense variant.
Genome position (GRCh38, 1-based): chr2:72,888,464, T>C. VCF-style: chr2-72888464-T-C. GRCh37 (hg19) VCF-style: chr2-73115593-T-C.
Other names: short protein forms V152A.
Identifiers: ClinVar variation 1318247 (VCV001318247.2), dbSNP rs2105241040, ClinGen allele CA347231756.

ClinVar aggregate classification (germline): Uncertain significance (1 of 4 stars; one submission).

Submission:

GeneDx
Classification: Uncertain significance. Last evaluated: 2020-02-13. Review status: criteria provided, single submitter. Criteria: GeneDx Variant Classification Process June 2021. Collection method: clinical testing. Allele origin: germline. Affected: yes.
Comment: Not observed in large population cohorts (Lek et al., 2016); In silico analysis supports that this missense variant has a deleterious effect on protein structure/function; Has not been previously published as pathogenic or benign to our knowledge